The following is an entry in ClinVar:

NM_006279.5(ST3GAL3):c.616C>T (p.Arg206Cys)

Gene: ST3GAL3 (ST3 beta-galactoside alpha-2,3-sialyltransferase 3; plus strand). Cytogenetic location: 1p34.1.
Variant type: single nucleotide variant.
Coding change: c.616C>T on transcript NM_006279.5 (MANE Select); coding-DNA position 616, C replaced by T.
Protein change: p.Arg206Cys; replaces arginine 206 with cysteine.
Molecular consequence: missense variant. On other transcripts: non-coding transcript variant (5), intron variant (7).
Genome position (GRCh38, 1-based): chr1:43,899,599, C>T. VCF-style: chr1-43899599-C-T. GRCh37 (hg19) VCF-style: chr1-44365271-C-T.
Other names: c.616C>T, p.Arg206Cys (NM_001270459.2, NM_001350620.2, NM_174966.4); c.523C>T, p.Arg175Cys (NM_001270460.2); c.568C>T, p.Arg190Cys (NM_001270461.3, NM_174969.4); c.475C>T, p.Arg159Cys (NM_001270462.3); c.661C>T, p.Arg221Cys (NM_001350619.2, NM_174964.4); c.337C>T, p.Arg113Cys (NM_001350621.2); c.778C>T, p.Arg260Cys (NM_001363573.2, NM_174968.5); c.823C>T, p.Arg275Cys (NM_174963.5); and 8 more; short protein forms R113C, R159C, R175C, R190C, R206C, R221C, R244C, R260C.
Identifiers: ClinVar variation 1061984 (VCV001061984.10), dbSNP rs2077941741, ClinGen allele CA340270258.

ClinVar aggregate classification (germline): Uncertain significance (1 of 4 stars; one submission).

Conditions:
Early-infantile DEE. Also called: Ohtahara syndrome; Early infantile epileptic encephalopathy with suppression bursts; Early infantile epileptic encephalopathy. Identifiers: Orphanet 1934, MedGen C0393706, MONDO:0800491.

Allele frequency attached by ClinVar (database versions not stated): gnomAD exomes below 0.00001.
gnomAD v4.1: 5 of 1,614,088 alleles (0.00031%); highest among the groups gnomAD compares: Non-Finnish European, 0.00042%; no homozygotes.

Submission:

Labcorp Genetics (formerly Invitae), Labcorp
Classification: Uncertain significance for Early-infantile DEE. Last evaluated: 2022-08-09. Review status: criteria provided, single submitter. Criteria: Invitae Variant Classification Sherloc (09022015). Collection method: clinical testing. Allele origin: germline.
Comment: Algorithms developed to predict the effect of missense changes on protein structure and function are either unavailable or do not agree on the potential impact of this missense change (SIFT: "Deleterious"; PolyPhen-2: "Probably Damaging"; Align-GVGD: "Class C0"). This variant has not been reported in the literature in individuals affected with ST3GAL3-related conditions. ClinVar contains an entry for this variant (Variation ID: 1061984). This variant is not present in population databases (gnomAD no frequency). In summary, the available evidence is currently insufficient to determine the role of this variant in disease. Therefore, it has been classified as a Variant of Uncertain Significance. This sequence change replaces arginine, which is basic and polar, with cysteine, which is neutral and slightly polar, at codon 206 of the ST3GAL3 protein (p.Arg206Cys).